The following is an entry in ClinVar:

NM_052867.4(NALCN):c.1245C>A (p.Tyr415Ter)

Genes: NALCN (sodium leak channel, non-selective; minus strand), LOC126861831 (P300/CBP strongly-dependent group 1 enhancer GRCh37_chr13:101909917-101911116; plus strand). Cytogenetic location: 13q33.1.
Variant type: single nucleotide variant.
Coding change: c.1245C>A on transcript NM_052867.4 (MANE Select); coding-DNA position 1245, C replaced by A.
Protein change: p.Tyr415Ter; replaces tyrosine 415 with a stop codon.
Molecular consequence: nonsense.
Genome position (GRCh38, 1-based): chr13:101,258,464, G>T on the plus strand (C>A on the coding strand, the complement: NALCN is on the minus strand). VCF-style: chr13-101258464-G-T. GRCh37 (hg19) VCF-style: chr13-101910815-G-T.
Other names: c.1245C>A, p.Tyr415Ter (NM_001350748.2, NM_001350749.2); c.1158C>A, p.Tyr386Ter (NM_001350750.2, NM_001350751.2); short protein forms Y386*, Y415*.
Identifiers: ClinVar variation 2584427 (VCV002584427.3), dbSNP rs1426944195, ClinGen allele CA388703732.

ClinVar aggregate classification (germline): Pathogenic. Review status: criteria provided, multiple submitters, no conflicts (2 of 4 stars). 2 submissions from 2 submitters: Pathogenic (2). Last evaluated 2024-09-06.

Conditions:
NALCN-related disorder. Also called: NALCN-related condition; NALCN-related disorders.

gnomAD v4.1: 2 of 1,614,076 alleles (0.00012%); highest among the groups gnomAD compares: Admixed American, 0.0017%; no homozygotes.

Submissions (2):

Labcorp Genetics (formerly Invitae), Labcorp
Classification: Pathogenic. Last evaluated: 2024-09-06. Review status: criteria provided, single submitter. Criteria: Invitae Variant Classification Sherloc (09022015). Collection method: clinical testing. Allele origin: germline.
Comment: This sequence change creates a premature translational stop signal (p.Tyr415*) in the NALCN gene. It is expected to result in an absent or disrupted protein product. Loss-of-function variants in NALCN are known to be pathogenic (PMID: 23749988, 24075186). The frequency data for this variant in the population databases is considered unreliable, as metrics indicate poor data quality at this position in the gnomAD database. This variant has not been reported in the literature in individuals affected with NALCN-related conditions. ClinVar contains an entry for this variant (Variation ID: 2584427). For these reasons, this variant has been classified as Pathogenic.

Rady Children's Institute for Genomic Medicine, Rady Children's Hospital San Diego
Classification: Pathogenic for NALCN-related disorders. Review status: criteria provided, single submitter. Criteria: ACMG Guidelines, 2015. Collection method: clinical testing. Allele origin: germline. Affected: yes.
Comment: This nonsense variant found in exon 11 of 44 is predicted to result in loss of normal protein function through either protein truncation or nonsense-mediated mRNA decay (NMD). This variant has not been previously reported or functionally characterized in the literature to our knowledge. Loss-of-function variation in NALCN is an established mechanism of disease (PMID: 23749988). The c.1245C>A (p.Tyr415Ter) variant is present in the heterozygous state in the gnomAD population database at a frequency of 0.0004% (1/251220) and is absent in the homozygous state, thus is presumed to be rare. Based on the available evidence, the c.1245C>A (p.Tyr415Ter) variant is classified as Pathogenic.

Literature cited by the submitters: PubMed 23749988 (cited by Labcorp Genetics (formerly Invitae), Labcorp); PubMed 24075186 (cited by Labcorp Genetics (formerly Invitae), Labcorp).